The following is an entry in ClinVar:

NM_000246.4(CIITA):c.2345T>C (p.Val782Ala)

Gene: CIITA (class II major histocompatibility complex transactivator; plus strand). Cytogenetic location: 16p13.13.
Variant type: single nucleotide variant.
Coding change: c.2345T>C on transcript NM_000246.4 (MANE Select); coding-DNA position 2345, T replaced by C.
Protein change: p.Val782Ala; replaces valine 782 with alanine.
Molecular consequence: missense variant. On other transcripts: intron variant (1).
Genome position (GRCh38, 1-based): chr16:10,907,837, T>C. VCF-style: chr16-10907837-T-C. GRCh37 (hg19) VCF-style: chr16-11001694-T-C.
Other names: c.2348T>C, p.Val783Ala (NM_001286402.1, NM_001379332.1); c.2201T>C, p.Val734Ala (NM_001379330.1); c.2198T>C, p.Val733Ala (NM_001379331.1); c.2345T>C, p.Val782Ala (NM_001379333.1); c.2276T>C, p.Val759Ala (NM_001379334.1); c.860-1146T>C (NM_001286403.2); short protein forms V782A, V783A, V733A, V734A, V759A.
Identifiers: ClinVar variation 317709 (VCV000317709.22), dbSNP rs13336804, ClinGen allele CA7900358.

ClinVar aggregate classification (germline): Benign/Likely benign. Review status: criteria provided, multiple submitters, no conflicts (2 of 4 stars). 7 submissions from 7 submitters: Benign (5); Likely benign (1). 1 of the submissions does not count toward it. Last evaluated 2026-02-04.

Conditions:
MHC class II deficiency. Also called: Bare lymphocyte syndrome 2; BLS, TYPE II. Identifiers: Orphanet 572, MedGen C5447452, MONDO:0008855.

Allele frequency attached by ClinVar (database versions not stated): TOPMed 0.06088; ExAC 0.06381; gnomAD exomes 0.06290; ESP Exome Variant Server 0.06761; 1000 Genomes Project 30x 0.03857; 1000 Genomes Project 0.03994.
gnomAD v4.1: 122,420 of 1,613,464 alleles (7.6%); highest among the groups gnomAD compares: Middle Eastern, 9.8%; 5,099 homozygotes.

Submissions (7):

Labcorp Genetics (formerly Invitae), Labcorp
Classification: Benign for MHC class II deficiency. Last evaluated: 2026-02-04. Review status: criteria provided, single submitter. Criteria: Invitae Variant Classification Sherloc (09022015). Collection method: clinical testing. Allele origin: germline.

Women's Health and Genetics/Laboratory Corporation of America, LabCorp
Classification: Likely benign. Last evaluated: 2026-01-21. Review status: criteria provided, single submitter. Criteria: LabCorp Variant Classification Summary - May 2015. Collection method: clinical testing. Allele origin: germline.

Genome-Nilou Lab
Classification: Benign for MHC class II deficiency 1. Last evaluated: 2021-07-10. Review status: criteria provided, single submitter. Criteria: ACMG Guidelines, 2015. Collection method: clinical testing. Allele origin: germline. Affected: no.

Illumina Laboratory Services, Illumina
Classification: Benign for MHC class II deficiency 1. Last evaluated: 2018-01-13. Review status: criteria provided, single submitter. Criteria: ICSL Variant Classification Criteria 13 December 2019. Collection method: clinical testing. Allele origin: germline.
Comment: This variant was observed in the ICSL laboratory as part of a predisposition screen in an ostensibly healthy population. It had not been previously curated by ICSL or reported in the Human Gene Mutation Database (HGMD: prior to June 1st, 2018), and was therefore a candidate for classification through an automated scoring system. Utilizing variant allele frequency, disease prevalence and penetrance estimates, and inheritance mode, an automated score was calculated to assess if this variant is too frequent to cause the disease. Based on the score and internal cut-off values, a variant classified as benign is not then subjected to further curation. The score for this variant resulted in a classification of benign for this disease.

Laboratory for Molecular Medicine, Mass General Brigham Personalized Medicine
Classification: Benign. Last evaluated: 2016-03-28. Review status: criteria provided, single submitter. Criteria: LMM Criteria. Collection method: clinical testing. Allele origin: germline.
Comment: Variant identified in a genome or exome case(s) and assessed due to predicted null impact of the variant or pathogenic assertions in the literature or databases. Disclaimer: This variant has not undergone full assessment. The following are preliminary notes: Frequency

Breakthrough Genomics
Classification: Benign. Review status: criteria provided, single submitter. Criteria: ACMG Guidelines, 2015. Collection method: not provided. Allele origin: germline. Inheritance: Autosomal recessive inheritance. Affected: yes.

Natera, Inc.
Classification: Benign for Bare lymphocyte syndrome type II. Last evaluated: 2020-09-16. Review status: no assertion criteria provided. Collection method: clinical testing. Allele origin: germline. Not counted in ClinVar's aggregate classification.